The following is an entry in ClinVar:

ClinVar aggregate classification (germline): Uncertain significance (1 of 4 stars; one submission).

Conditions:
Charcot-Marie-Tooth Neuropathy X. Identifiers: MedGen CN118851.

gnomAD v4.1: 1 of 1,191,418 alleles (0.000084%); highest among the groups gnomAD compares: Non-Finnish European, 0.00011%; no homozygotes.

Submission:

Labcorp Genetics (formerly Invitae), Labcorp
Classification: Uncertain significance for Charcot-Marie-Tooth Neuropathy X. Last evaluated: 2025-06-30. Review status: criteria provided, single submitter. Criteria: Invitae Variant Classification Sherloc (09022015). Collection method: clinical testing. Allele origin: germline.
Comment: This sequence change replaces lysine, which is basic and polar, with asparagine, which is neutral and polar, at codon 276 of the GJB1 protein (p.Lys276Asn). This variant is not present in population databases (gnomAD no frequency). This variant has not been reported in the literature in individuals affected with GJB1-related conditions. Invitae Evidence Modeling of protein sequence and biophysical properties (such as structural, functional, and spatial information, amino acid conservation, physicochemical variation, residue mobility, and thermodynamic stability) has been performed for this missense variant. However, the output from this modeling did not meet the statistical confidence thresholds required to predict the impact of this variant on GJB1 protein function. In summary, the available evidence is currently insufficient to determine the role of this variant in disease. Therefore, it has been classified as a Variant of Uncertain Significance.

NM_000166.6(GJB1):c.828G>C (p.Lys276Asn)

Gene: GJB1 (gap junction protein beta 1; plus strand). Cytogenetic location: Xq13.1.
Variant type: single nucleotide variant.
Coding change: c.828G>C on transcript NM_000166.6 (MANE Select); coding-DNA position 828, G replaced by C.
Protein change: p.Lys276Asn; replaces lysine 276 with asparagine.
Molecular consequence: missense variant.
Genome position (GRCh38, 1-based): chrX:71,224,535, G>C. VCF-style: chrX-71224535-G-C. GRCh37 (hg19) VCF-style: chrX-70444385-G-C.
Other names: c.828G>C, p.Lys276Asn (NM_001097642.3, NM_001440770.1); short protein forms K276N.
Identifiers: ClinVar variation 4809510 (VCV004809510.1).